The following is an entry in ClinVar:

ClinVar aggregate classification (germline): Uncertain significance (1 of 4 stars; one submission).

Conditions:
Bardet-Biedl syndrome (BBS). Identifiers: Orphanet 110, MedGen C0752166, MONDO:0015229.

Allele frequency attached by ClinVar (database versions not stated): gnomAD exomes 0.00001.
gnomAD v4.1: 3 of 1,613,012 alleles (0.00019%); highest among the groups gnomAD compares: Non-Finnish European, 0.00025%; no homozygotes.

Submission:

Labcorp Genetics (formerly Invitae), Labcorp
Classification: Uncertain significance for Bardet-Biedl syndrome. Last evaluated: 2022-06-13. Review status: criteria provided, single submitter. Criteria: Invitae Variant Classification Sherloc (09022015). Collection method: clinical testing. Allele origin: germline.
Comment: This sequence change replaces proline, which is neutral and non-polar, with serine, which is neutral and polar, at codon 370 of the BBS1 protein (p.Pro370Ser). This variant is not present in population databases (gnomAD no frequency). This variant has not been reported in the literature in individuals affected with BBS1-related conditions. Algorithms developed to predict the effect of missense changes on protein structure and function (SIFT, PolyPhen-2, Align-GVGD) all suggest that this variant is likely to be tolerated. In summary, the available evidence is currently insufficient to determine the role of this variant in disease. Therefore, it has been classified as a Variant of Uncertain Significance.

NM_024649.5(BBS1):c.1108C>T (p.Pro370Ser)

Genes: BBS1 (Bardet-Biedl syndrome 1; plus strand), ZDHHC24 (zDHHC palmitoyltransferase 24; minus strand). Cytogenetic location: 11q13.2.
Variant type: single nucleotide variant.
Coding change: c.1108C>T on transcript NM_024649.5 (MANE Select); coding-DNA position 1108, C replaced by T.
Protein change: p.Pro370Ser; replaces proline 370 with serine.
Molecular consequence: missense variant. On other transcripts: intron variant (1).
Genome position (GRCh38, 1-based): chr11:66,523,880, C>T. VCF-style: chr11-66523880-C-T. GRCh37 (hg19) VCF-style: chr11-66291351-C-T.
Other names: c.*22-2414G>A (NM_001348571.2); short protein forms P370S.
Identifiers: ClinVar variation 1462077 (VCV001462077.4), dbSNP rs2134797927, ClinGen allele CA381462815.